The following is an entry in ClinVar:

NM_000238.4(KCNH2):c.3106G>A (p.Gly1036Ser)

Gene: KCNH2 (potassium voltage-gated channel subfamily H member 2; minus strand). Cytogenetic location: 7q36.1.
Variant type: single nucleotide variant.
Coding change: c.3106G>A on transcript NM_000238.4 (MANE Select); coding-DNA position 3106, G replaced by A.
Protein change: p.Gly1036Ser; replaces glycine 1036 with serine.
Molecular consequence: missense variant.
Genome position (GRCh38, 1-based): chr7:150,947,374, C>T on the plus strand (G>A on the coding strand, the complement: KCNH2 is on the minus strand). VCF-style: chr7-150947374-C-T. GRCh37 (hg19) VCF-style: chr7-150644462-C-T.
Other names: c.2818G>A, p.Gly940Ser (NM_001406753.1); c.2086G>A, p.Gly696Ser (NM_172057.3); short protein forms G1036S, G940S, G696S.
Identifiers: ClinVar variation 1940570 (VCV001940570.5), dbSNP rs1800937853, ClinGen allele CA369852634.

ClinVar aggregate classification (germline): Uncertain significance (1 of 4 stars; one submission).

Conditions:
Long QT syndrome (LQTS). Identifiers: MedGen C0023976, MeSH D008133, MONDO:0002442. Disease mechanism: loss of function. Inheritance: Various modes of inheritance.

gnomAD v4.1: 1 of 1,547,942 alleles (0.000065%); no homozygotes.

Submission:

Labcorp Genetics (formerly Invitae), Labcorp
Classification: Uncertain significance for Long QT syndrome. Last evaluated: 2022-10-13. Review status: criteria provided, single submitter. Criteria: Invitae Variant Classification Sherloc (09022015). Collection method: clinical testing. Allele origin: germline.
Comment: Algorithms developed to predict the effect of missense changes on protein structure and function output the following: SIFT: "Tolerated"; PolyPhen-2: "Benign"; Align-GVGD: "Class C0". The serine amino acid residue is found in multiple mammalian species, which suggests that this missense change does not adversely affect protein function. In summary, the available evidence is currently insufficient to determine the role of this variant in disease. Therefore, it has been classified as a Variant of Uncertain Significance. This variant has not been reported in the literature in individuals affected with KCNH2-related conditions. This variant is not present in population databases (gnomAD no frequency). This sequence change replaces glycine, which is neutral and non-polar, with serine, which is neutral and polar, at codon 1036 of the KCNH2 protein (p.Gly1036Ser).